The following is an entry in ClinVar:

ClinVar aggregate classification (germline): Uncertain significance (1 of 4 stars; one submission).

Submission:

Labcorp Genetics (formerly Invitae), Labcorp
Classification: Uncertain significance. Last evaluated: 2023-10-29. Review status: criteria provided, single submitter. Criteria: Invitae Variant Classification Sherloc (09022015). Collection method: clinical testing. Allele origin: germline.
Comment: This sequence change falls in intron 47 of the COL11A1 gene. It does not directly change the encoded amino acid sequence of the COL11A1 protein. It affects a nucleotide within the consensus splice site. This variant is not present in population databases (gnomAD no frequency). This variant has not been reported in the literature in individuals affected with COL11A1-related conditions. ClinVar contains an entry for this variant (Variation ID: 1430433). Variants that disrupt the consensus splice site are a relatively common cause of aberrant splicing (PMID: 17576681, 9536098). Algorithms developed to predict the effect of sequence changes on RNA splicing suggest that this variant may disrupt the consensus splice site. In summary, the available evidence is currently insufficient to determine the role of this variant in disease. Therefore, it has been classified as a Variant of Uncertain Significance.

Literature cited by the submitters: PubMed 17576681; PubMed 9536098.

NM_001854.4(COL11A1):c.3655-3C>G

Gene: COL11A1 (collagen type XI alpha 1 chain; minus strand). Cytogenetic location: 1p21.1.
Variant type: single nucleotide variant.
Coding change: c.3655-3C>G on transcript NM_001854.4 (MANE Select); 3 bases into the intron before coding-DNA position 3655, C replaced by G.
Molecular consequence: intron variant.
Genome position (GRCh38, 1-based): chr1:102,921,574, G>C on the plus strand (C>G on the coding strand, the complement: COL11A1 is on the minus strand). VCF-style: chr1-102921574-G-C. GRCh37 (hg19) VCF-style: chr1-103387130-G-C.
Other names: c.3538-3C>G (NM_001190709.2); c.3691-3C>G (NM_080629.3); c.3307-3C>G (NM_080630.4).
Identifiers: ClinVar variation 1430433 (VCV001430433.6), dbSNP rs372709465, ClinGen allele CA2573130873.
Genomic context (GRCh38, chr1:102,921,574, plus strand): 5'-TTACATCAGCTCCATTGGGACCTTGAGGGCCTCTTGGGCCTGGAGGACCAGGTGGCCCCT[G>C]TAAGAGAGAAATATTGAGGTTTACAAAGACCAAATTCAAATGTGTTTCCAACATTTTCAT-3'